The following is an entry in ClinVar:

NM_001142800.2(EYS):c.3174A>T (p.Glu1058Asp)

Gene: EYS (EGF-like photoreceptor maintenance factor; minus strand). Cytogenetic location: 6q12.
Variant type: single nucleotide variant.
Coding change: c.3174A>T on transcript NM_001142800.2 (MANE Select); coding-DNA position 3174, A replaced by T.
Protein change: p.Glu1058Asp; replaces glutamic acid 1058 with aspartic acid.
Molecular consequence: missense variant.
Genome position (GRCh38, 1-based): chr6:64,821,714, T>A on the plus strand (A>T on the coding strand, the complement: EYS is on the minus strand). VCF-style: chr6-64821714-T-A. GRCh37 (hg19) VCF-style: chr6-65531607-T-A.
Other names: c.3174A>T, p.Glu1058Asp (NM_001292009.2); short protein forms E1058D.
Identifiers: ClinVar variation 1005623 (VCV001005623.8), dbSNP rs1764904888, ClinGen allele CA364787288.
Genomic context (GRCh38, chr6:64,821,714, plus strand): 5'-GATCTTACATTGTGTGCTAGTCCCATCTGCATCACATGAACATGGATATTCATTAATAAG[T>A]TCTGTGCACCTGAAACACAGAATTAGAATTACATTTTCAAATAAGTAGATGTTAAAGCAT-3'
Protein context (NP_001136272.1, residues 1048-1068): SNPCLHGRCT[Glu1058Asp]LINEYPCSCD

ClinVar aggregate classification (germline): Uncertain significance (1 of 4 stars; one submission).

Submission:

Labcorp Genetics (formerly Invitae), Labcorp
Classification: Uncertain significance. Last evaluated: 2020-09-11. Review status: criteria provided, single submitter. Criteria: Invitae Variant Classification Sherloc (09022015). Collection method: clinical testing. Allele origin: germline.
Comment: In summary, the available evidence is currently insufficient to determine the role of this variant in disease. Therefore, it has been classified as a Variant of Uncertain Significance. This sequence change replaces glutamic acid with aspartic acid at codon 1058 of the EYS protein (p.Glu1058Asp). The glutamic acid residue is weakly conserved and there is a small physicochemical difference between glutamic acid and aspartic acid. This variant is not present in population databases (ExAC no frequency). This variant has not been reported in the literature in individuals with EYS-related conditions. Algorithms developed to predict the effect of missense changes on protein structure and function output the following: SIFT: "Tolerated"; PolyPhen-2: "Benign"; Align-GVGD: "Class C0". The aspartic acid amino acid residue is found in multiple mammalian species, suggesting that this missense change does not adversely affect protein function. These predictions have not been confirmed by published functional studies and their clinical significance is uncertain.